The following is an entry in ClinVar:

NM_001958.5(EEF1A2):c.718C>T (p.Arg240Cys)

Gene: EEF1A2 (eukaryotic translation elongation factor 1 alpha 2; minus strand). Cytogenetic location: 20q13.33.
Variant type: single nucleotide variant.
Coding change: c.718C>T on transcript NM_001958.5 (MANE Select); coding-DNA position 718, C replaced by T.
Protein change: p.Arg240Cys; replaces arginine 240 with cysteine.
Molecular consequence: missense variant.
Genome position (GRCh38, 1-based): chr20:63,493,191, G>A on the plus strand (C>T on the coding strand, the complement: EEF1A2 is on the minus strand). VCF-style: chr20-63493191-G-A. GRCh37 (hg19) VCF-style: chr20-62124544-G-A.
Other names: c.718C>T (NM_001958.3); short protein forms R240C.
Identifiers: ClinVar variation 1943781 (VCV001943781.6), dbSNP rs2145943591, ClinGen allele CA409648701.

ClinVar aggregate classification (germline): Uncertain significance. Review status: criteria provided, multiple submitters, no conflicts (2 of 4 stars). 2 submissions from 2 submitters: Uncertain significance (2). Last evaluated 2024-07-27.

Conditions:
Developmental and epileptic encephalopathy, 33 (DEE33). Also called: Epileptic encephalopathy, early infantile, 33. Identifiers: Orphanet 442835, MedGen C4225337, MONDO:0014625, OMIM 616409.

Allele frequency attached by ClinVar (database versions not stated): gnomAD exomes below 0.00001.
gnomAD v4.1: 2 of 1,548,826 alleles (0.00013%); highest among the groups gnomAD compares: Non-Finnish European, 0.00017%; no homozygotes.

Submissions (2):

GeneDx
Classification: Uncertain significance. Last evaluated: 2024-07-27. Review status: criteria provided, single submitter. Criteria: GeneDx Variant Classification Process June 2021. Collection method: clinical testing. Allele origin: germline. Affected: yes.
Comment: Not observed at significant frequency in large population cohorts (gnomAD); In silico analysis supports that this missense variant has a deleterious effect on protein structure/function; Has not been previously published as pathogenic or benign to our knowledge

Labcorp Genetics (formerly Invitae), Labcorp
Classification: Uncertain significance for Developmental and epileptic encephalopathy, 33. Last evaluated: 2024-06-11. Review status: criteria provided, single submitter. Criteria: Invitae Variant Classification Sherloc (09022015). Collection method: clinical testing. Allele origin: germline.
Comment: This sequence change replaces arginine, which is basic and polar, with cysteine, which is neutral and slightly polar, at codon 240 of the EEF1A2 protein (p.Arg240Cys). This variant is not present in population databases (gnomAD no frequency). This variant has not been reported in the literature in individuals affected with EEF1A2-related conditions. ClinVar contains an entry for this variant (Variation ID: 1943781). Advanced modeling of protein sequence and biophysical properties (such as structural, functional, and spatial information, amino acid conservation, physicochemical variation, residue mobility, and thermodynamic stability) performed at Invitae indicates that this missense variant is not expected to disrupt EEF1A2 protein function with a negative predictive value of 80%. In summary, the available evidence is currently insufficient to determine the role of this variant in disease. Therefore, it has been classified as a Variant of Uncertain Significance.